The following is an entry in ClinVar:

NM_000138.5(FBN1):c.1179_1180dup (p.Val394fs)

Gene: FBN1 (fibrillin 1; minus strand). Cytogenetic location: 15q21.1.
Variant type: Duplication.
Coding change: c.1179_1180dup on transcript NM_000138.5 (MANE Select); coding-DNA positions 1179 to 1180, 2 bases duplicated (GG; older notation c.1179_1180dupGG).
Protein change: p.Val394fs; shifts the reading frame from valine 394.
Molecular consequence: frameshift variant.
Genome position (GRCh38, 1-based): chr15:48,516,330-48,516,331, CC duplicated on the plus strand (GG on the coding strand, the reverse complement: FBN1 is on the minus strand). VCF-style (leftmost placement, unchanged base first): chr15-48516329-A-ACC. GRCh37 (hg19) VCF-style: chr15-48808526-A-ACC.
Other names: c.1179_1180dupGG (NM_000138.4); short protein forms V394fs.
Identifiers: ClinVar variation 280570 (VCV000280570.1), dbSNP rs886041751, ClinGen allele CA10603463.

ClinVar aggregate classification (germline): Pathogenic (1 of 4 stars; one submission).

Submission:

GeneDx
Classification: Pathogenic. Last evaluated: 2016-09-09. Review status: criteria provided, single submitter. Criteria: GeneDx Variant Classification (06012015). Collection method: clinical testing. Allele origin: germline. Affected: yes.
Comment: A frameshift variant that is pathogenic was identified in the FBN1 gene. This variant causes a shift in reading frame starting at codon Valine 394, changing it to a Glycine, and creating a premature stop codon at position 2 of the new reading frame, denoted p.Val394GlyfsX2. This pathogenic variant is expected to result in either an abnormal, truncated protein product or loss of protein from this allele through nonsense-mediated mRNA decay. Multiple other frameshift variants in the FBN1 gene have been reported in HGMD in association with Marfan syndrome (Stenson et al., 2014). Furthermore, the c.1179_1180dupGG variant was not observed in approximately 6,500 individuals of European and African American ancestry in the NHLBI Exome Sequencing Project, indicating it is not a common benign variant in these populations. In summary, c.1179_1180dupGG in the FBN1 gene is interpreted as a pathogenic variant.